The following is an entry in ClinVar:

ClinVar aggregate classification (germline): Likely pathogenic (1 of 4 stars; one submission).

Conditions:
Dilated cardiomyopathy 1G (CMD1G). Identifiers: Orphanet 154, MedGen C1858763, MONDO:0011400, OMIM 604145.
Autosomal recessive limb-girdle muscular dystrophy type 2J (LGMDR10). Also called: Limb-girdle muscular dystrophy, type 2J; MUSCULAR DYSTROPHY, LIMB-GIRDLE, AUTOSOMAL RECESSIVE 10. Identifiers: Orphanet 140922, MedGen C1837342, MONDO:0012127, OMIM 608807.

Submission:

Labcorp Genetics (formerly Invitae), Labcorp
Classification: Likely pathogenic for Dilated cardiomyopathy 1G; Autosomal recessive limb-girdle muscular dystrophy type 2J. Last evaluated: 2024-10-02. Review status: criteria provided, single submitter. Criteria: Invitae Variant Classification Sherloc (09022015). Collection method: clinical testing. Allele origin: germline.
Comment: This sequence change creates a premature translational stop signal (p.Phe22703*) in the TTN gene. While this is not anticipated to result in nonsense mediated decay, it is expected to create a truncated TTN protein. This variant is not present in population databases (gnomAD no frequency). This variant has not been reported in the literature in individuals affected with TTN-related conditions. ClinVar contains an entry for this variant (Variation ID: 1066608). This variant is located in the A band of TTN (PMID: 25589632). Truncating variants in this region are significantly overrepresented in patients affected with dilated cardiomyopathy (PMID: 25589632). Truncating variants in this region have also been reported in individuals affected with autosomal recessive centronuclear myopathy (PMID: 23975875). In summary, the currently available evidence indicates that the variant is pathogenic, but additional data are needed to prove that conclusively. Therefore, this variant has been classified as Likely Pathogenic.

Literature cited by the submitters: PubMed 25589632; PubMed 23975875.

NM_001267550.2(TTN):c.68108_68109del (p.Thr22702_Phe22703insTer)

Genes: TTN-AS1 (TTN antisense RNA 1; plus strand), TTN (titin; minus strand), LOC126806423 (CDK7 strongly-dependent group 2 enhancer GRCh37_chr2:179443309-179444508; plus strand). Cytogenetic location: 2q31.2.
Variant type: Deletion.
Coding change: c.68108_68109del on transcript NM_001267550.2 (MANE Select); coding-DNA positions 68108 to 68109, 2 bases deleted (TT; older notation c.68108_68109delTT).
Protein change: p.Thr22702_Phe22703insTer.
Molecular consequence: nonsense.
Genome position (GRCh38, 1-based): chr2:178,578,921-178,578,922, AA deleted on the plus strand (TT on the coding strand, the reverse complement: TTN is on the minus strand); deleting any 2 consecutive bases within chr2:178,578,921-178,578,923 gives the same sequence; the c. name uses the placement nearest the transcript's 3' end. VCF-style (leftmost placement, unchanged base first): chr2-178578920-TAA-T. GRCh37 (hg19) VCF-style: chr2-179443647-TAA-T.
Other names: c.63185_63186del, p.Thr21061_Phe21062insTer (NM_001256850.1); c.40913_40914del, p.Thr13637_Phe13638insTer (NM_003319.4); c.60404_60405del, p.Thr20134_Phe20135insTer (NM_133378.4); c.41288_41289del, p.Thr13762_Phe13763insTer (NM_133432.3); c.41489_41490del, p.Thr13829_Phe13830insTer (NM_133437.4).
Identifiers: ClinVar variation 1066608 (VCV001066608.9), dbSNP rs2154175051, ClinGen allele CA2499215384.